The following is an entry in ClinVar:

NC_000023.11:g.18646068G>A

Genes: CDKL5 (cyclin dependent kinase like 5; plus strand), RS1 (retinoschisin 1; minus strand). Cytogenetic location: Xp22.13.
Variant type: single nucleotide variant.
Molecular consequence: intron variant (on NM_000330.4). On other transcripts: missense variant (2).
Genome position: GRCh38 VCF-style: chrX-18646068-G-A. GRCh37 (hg19) VCF-style: chrX-18664188-G-A.
Other names: c.2775G>A, p.Met925Ile (NM_001037343.2, NM_003159.3); c.326+1123C>T (NM_000330.4); short protein forms M925I.
Identifiers: ClinVar variation 1517082 (VCV001517082.7), dbSNP rs2147192682, ClinGen allele CA412372506.

ClinVar aggregate classification (germline): Uncertain significance (1 of 4 stars; one submission).

Conditions:
Developmental and epileptic encephalopathy, 2 (DEE2). Also called: INFANTILE SPASM SYNDROME, X-LINKED 2; CDKL5 deficiency disorder. Identifiers: Orphanet 1934, Orphanet 3451, Orphanet 505652, MedGen C4750718, MONDO:0010396, OMIM 300672.
Angelman syndrome-like. Identifiers: MedGen CN128785.

Allele frequency attached by ClinVar (database versions not stated): gnomAD 0.00001.
gnomAD v4.1: 1 of 1,210,260 alleles (0.000083%); highest among the groups gnomAD compares: Non-Finnish European, 0.00011%; no homozygotes.

Submission:

Labcorp Genetics (formerly Invitae), Labcorp
Classification: Uncertain significance for Developmental and epileptic encephalopathy, 2; Angelman syndrome-like. Last evaluated: 2024-02-22. Review status: criteria provided, single submitter. Criteria: Invitae Variant Classification Sherloc (09022015). Collection method: clinical testing. Allele origin: germline.
Comment: This sequence change replaces methionine, which is neutral and non-polar, with isoleucine, which is neutral and non-polar, at codon 925 of the CDKL5 protein (p.Met925Ile). This variant is not present in population databases (gnomAD no frequency). This variant has not been reported in the literature in individuals affected with CDKL5-related conditions. ClinVar contains an entry for this variant (Variation ID: 1517082). Advanced modeling of protein sequence and biophysical properties (such as structural, functional, and spatial information, amino acid conservation, physicochemical variation, residue mobility, and thermodynamic stability) performed at Invitae indicates that this missense variant is not expected to disrupt CDKL5 protein function with a negative predictive value of 95%. In summary, the available evidence is currently insufficient to determine the role of this variant in disease. Therefore, it has been classified as a Variant of Uncertain Significance.